The following is an entry in ClinVar:

ClinVar aggregate classification (germline): Uncertain significance. Review status: criteria provided, multiple submitters, no conflicts (2 of 4 stars). 2 submissions from 2 submitters: Uncertain significance (2). Last evaluated 2024-07-17.

Conditions:
Inborn genetic diseases. Identifiers: MedGen C0950123, MeSH D030342.

Allele frequency attached by ClinVar (database versions not stated): gnomAD exomes 0.00001 and 0.00002; ExAC 0.00002; TOPMed 0.00004.
gnomAD v4.1: 15 of 1,612,876 alleles (0.00093%); highest among the groups gnomAD compares: Admixed American, 0.013%; no homozygotes.

Submissions (2):

Labcorp Genetics (formerly Invitae), Labcorp
Classification: Uncertain significance. Last evaluated: 2024-07-17. Review status: criteria provided, single submitter. Criteria: Invitae Variant Classification Sherloc (09022015). Collection method: clinical testing. Allele origin: germline.
Comment: This sequence change replaces valine, which is neutral and non-polar, with isoleucine, which is neutral and non-polar, at codon 412 of the TAF2 protein (p.Val412Ile). This variant is present in population databases (rs780483670, gnomAD 0.01%). This variant has not been reported in the literature in individuals affected with TAF2-related conditions. ClinVar contains an entry for this variant (Variation ID: 1448419). Advanced modeling of protein sequence and biophysical properties (such as structural, functional, and spatial information, amino acid conservation, physicochemical variation, residue mobility, and thermodynamic stability) performed at Invitae indicates that this missense variant is not expected to disrupt TAF2 protein function with a negative predictive value of 80%. In summary, the available evidence is currently insufficient to determine the role of this variant in disease. Therefore, it has been classified as a Variant of Uncertain Significance.

Ambry Genetics
Classification: Uncertain significance for Inborn genetic diseases. Last evaluated: 2024-04-01. Review status: criteria provided, single submitter. Criteria: Ambry Variant Classification Scheme 2023. Collection method: clinical testing. Allele origin: germline.

NM_003184.4(TAF2):c.1234G>A (p.Val412Ile)

Gene: TAF2 (TATA-box binding protein associated factor 2; minus strand). Cytogenetic location: 8q24.12.
Variant type: single nucleotide variant.
Coding change: c.1234G>A on transcript NM_003184.4 (MANE Select); coding-DNA position 1234, G replaced by A.
Protein change: p.Val412Ile; replaces valine 412 with isoleucine.
Molecular consequence: missense variant.
Genome position (GRCh38, 1-based): chr8:119,793,409, C>T on the plus strand (G>A on the coding strand, the complement: TAF2 is on the minus strand). VCF-style: chr8-119793409-C-T. GRCh37 (hg19) VCF-style: chr8-120805649-C-T.
Other names: c.1234G>A (NM_003184.3); short protein forms V412I.
Identifiers: ClinVar variation 1448419 (VCV001448419.6), dbSNP rs780483670, ClinGen allele CA4857350.